The following is an entry in ClinVar:

ClinVar aggregate classification (germline): Uncertain significance (1 of 4 stars; one submission).

Conditions:
Inborn genetic diseases. Identifiers: MedGen C0950123, MeSH D030342.

Submission:

Ambry Genetics
Classification: Uncertain significance for Inborn genetic diseases. Last evaluated: 2024-07-11. Review status: criteria provided, single submitter. Criteria: Ambry Variant Classification Scheme 2023. Collection method: clinical testing. Allele origin: germline.
Comment: The p.S110T variant (also known as c.328T>A), located in coding exon 1 of the ACD gene, results from a T to A substitution at nucleotide position 328. The serine at codon 110 is replaced by threonine, an amino acid with similar properties. This amino acid position is conserved. In addition, this alteration is predicted to be tolerated by in silico analysis. Based on the available evidence, the clinical significance of this variant remains unclear.

NM_001082486.2(ACD):c.70T>A (p.Ser24Thr)

Gene: ACD (ACD shelterin complex subunit and telomerase recruitment factor; minus strand). Cytogenetic location: 16q22.1.
Variant type: single nucleotide variant.
Coding change: c.70T>A on transcript NM_001082486.2 (MANE Select); coding-DNA position 70, T replaced by A.
Protein change: p.Ser24Thr; replaces serine 24 with threonine.
Molecular consequence: missense variant.
Genome position (GRCh38, 1-based): chr16:67,660,151, A>T on the plus strand (T>A on the coding strand, the complement: ACD is on the minus strand). VCF-style: chr16-67660151-A-T. GRCh37 (hg19) VCF-style: chr16-67694054-A-T.
Other names: c.70T>A, p.Ser24Thr (NM_001410884.1, NM_022914.3); short protein forms S24T.
Identifiers: ClinVar variation 3480065 (VCV003480065.1).